The following is an entry in ClinVar:

ClinVar aggregate classification (germline): Uncertain significance. Review status: criteria provided, multiple submitters, no conflicts (2 of 4 stars). 2 submissions from 2 submitters: Uncertain significance (2). Last evaluated 2023-10-30.

Conditions:
Inborn genetic diseases. Identifiers: MedGen C0950123, MeSH D030342.

Allele frequency attached by ClinVar (database versions not stated): ExAC 0.00002; gnomAD exomes 0.00002; gnomAD 0.00004; TOPMed 0.00015; 1000 Genomes Project 0.00040; 1000 Genomes Project 30x 0.00047.
gnomAD v4.1: 39 of 1,613,554 alleles (0.0024%); highest among the groups gnomAD compares: Admixed American, 0.017%; no homozygotes.

Submissions (2):

Ambry Genetics
Classification: Uncertain significance for Inborn genetic diseases. Last evaluated: 2023-10-30. Review status: criteria provided, single submitter. Criteria: Ambry Variant Classification Scheme 2023. Collection method: clinical testing. Allele origin: germline.

Labcorp Genetics (formerly Invitae), Labcorp
Classification: Uncertain significance. Last evaluated: 2022-02-20. Review status: criteria provided, single submitter. Criteria: Invitae Variant Classification Sherloc (09022015). Collection method: clinical testing. Allele origin: germline.
Comment: This sequence change replaces arginine, which is basic and polar, with glutamine, which is neutral and polar, at codon 326 of the FNIP1 protein (p.Arg326Gln). This variant is present in population databases (rs192426636, gnomAD 0.003%). This variant has not been reported in the literature in individuals affected with FNIP1-related conditions. Algorithms developed to predict the effect of missense changes on protein structure and function are either unavailable or do not agree on the potential impact of this missense change (SIFT: "Deleterious"; PolyPhen-2: "Probably Damaging"; Align-GVGD: "Class C0"). In summary, the available evidence is currently insufficient to determine the role of this variant in disease. Therefore, it has been classified as a Variant of Uncertain Significance.

NM_133372.3(FNIP1):c.977G>A (p.Arg326Gln)

Gene: FNIP1 (folliculin interacting protein 1; minus strand). Cytogenetic location: 5q31.1.
Variant type: single nucleotide variant.
Coding change: c.977G>A on transcript NM_133372.3 (MANE Select); coding-DNA position 977, G replaced by A.
Protein change: p.Arg326Gln; replaces arginine 326 with glutamine.
Molecular consequence: missense variant.
Genome position (GRCh38, 1-based): chr5:131,704,204, C>T on the plus strand (G>A on the coding strand, the complement: FNIP1 is on the minus strand). VCF-style: chr5-131704204-C-T. GRCh37 (hg19) VCF-style: chr5-131039897-C-T.
Other names: c.893G>A, p.Arg298Gln (NM_001008738.3); c.977G>A, p.Arg326Gln (NM_001346113.2); c.842G>A, p.Arg281Gln (NM_001346114.2); c.977G>A (NM_133372.2); short protein forms R281Q, R298Q, R326Q.
Identifiers: ClinVar variation 2074278 (VCV002074278.2), dbSNP rs192426636, ClinGen allele CA3400764.